The following is an entry in ClinVar:

ClinVar aggregate classification (germline): Uncertain significance (1 of 4 stars; one submission).

Conditions:
Severe combined immunodeficiency due to DNA-PKcs deficiency. Also called: IMMUNODEFICIENCY 26 WITH NEUROLOGIC ABNORMALITIES; Immunodeficiency 26 with or without neurologic abnormalities. Identifiers: Orphanet 317425, MedGen C4014833, MONDO:0014423, OMIM 615966.

Allele frequency attached by ClinVar (database versions not stated): gnomAD exomes below 0.00001; TOPMed below 0.00001; gnomAD 0.00001.
gnomAD v4.1: 5 of 1,613,910 alleles (0.00031%); highest among the groups gnomAD compares: African/African-American, 0.0013%; no homozygotes.

Submission:

Labcorp Genetics (formerly Invitae), Labcorp
Classification: Uncertain significance for Severe combined immunodeficiency due to DNA-PKcs deficiency. Last evaluated: 2022-07-19. Review status: criteria provided, single submitter. Criteria: Invitae Variant Classification Sherloc (09022015). Collection method: clinical testing. Allele origin: germline.
Comment: In summary, the available evidence is currently insufficient to determine the role of this variant in disease. Therefore, it has been classified as a Variant of Uncertain Significance. Experimental studies and prediction algorithms are not available or were not evaluated, and the functional significance of this variant is currently unknown. This variant has not been reported in the literature in individuals affected with PRKDC-related conditions. This variant is present in population databases (no rsID available, gnomAD 0.0009%). This sequence change replaces isoleucine, which is neutral and non-polar, with threonine, which is neutral and polar, at codon 1949 of the PRKDC protein (p.Ile1949Thr).

NM_006904.7(PRKDC):c.5846T>C (p.Ile1949Thr)

Gene: PRKDC (protein kinase, DNA-activated, catalytic subunit; minus strand). Cytogenetic location: 8q11.21.
Variant type: single nucleotide variant.
Coding change: c.5846T>C on transcript NM_006904.7 (MANE Select); coding-DNA position 5846, T replaced by C.
Protein change: p.Ile1949Thr; replaces isoleucine 1949 with threonine.
Molecular consequence: missense variant.
Genome position (GRCh38, 1-based): chr8:47,862,446, A>G on the plus strand (T>C on the coding strand, the complement: PRKDC is on the minus strand). VCF-style: chr8-47862446-A-G. GRCh37 (hg19) VCF-style: chr8-48775007-A-G.
Other names: c.5846T>C, p.Ile1949Thr (NM_001081640.2); short protein forms I1949T.
Identifiers: ClinVar variation 2146670 (VCV002146670.4), dbSNP rs1446745472, ClinGen allele CA371162337.